The following is an entry in ClinVar:

ClinVar aggregate classification (germline): Pathogenic (1 of 4 stars; one submission).

Conditions:
Hereditary spastic paraplegia 15 (SPG15). Also called: SPASTIC PARAPLEGIA 15, AUTOSOMAL RECESSIVE; KJELLIN SYNDROME; SPASTIC PARAPLEGIA AND RETINAL DEGENERATION. Identifiers: Orphanet 100996, MedGen C1849128, MONDO:0010044, OMIM 270700.

Submission:

Myriad Genetics, Inc.
Classification: Pathogenic for Hereditary spastic paraplegia 15. Last evaluated: 2023-12-19. Review status: criteria provided, single submitter. Criteria: Myriad Autosomal Dominant, Autosomal Recessive and X-Linked Classification Criteria (2023). Collection method: clinical testing. Allele origin: unknown.
Comment: NM_015346.3(ZFYVE26):c.7143delG(N2383Mfs*2) is expected to be pathogenic in the context of spastic paraplegia type 15. This variant is predicted to lead to an abnormal or absent protein product due to the creation of a premature termination codon in ZFYVE26, a gene where loss-of-function variants are known to be pathogenic. Please note: this variant was assessed in the context of healthy population screening.

NM_015346.4(ZFYVE26):c.7143del (p.Asn2383fs)

Gene: ZFYVE26 (zinc finger FYVE-type containing 26; minus strand). Cytogenetic location: 14q24.1.
Variant type: Deletion.
Coding change: c.7143del on transcript NM_015346.4 (MANE Select); coding-DNA position 7143, one base deleted (G; older notation c.7143delG).
Protein change: p.Asn2383fs; shifts the reading frame from asparagine 2383.
Molecular consequence: frameshift variant.
Genome position (GRCh38, 1-based): chr14:67,753,752, C deleted on the plus strand (G on the coding strand, the reverse complement: ZFYVE26 is on the minus strand); the first of 3 consecutive C bases (chr14:67,753,752-67,753,754); deleting any one gives the same sequence. VCF-style (leftmost placement, unchanged base first): chr14-67753751-TC-T. GRCh37 (hg19) VCF-style: chr14-68220468-TC-T.
Other names: short protein forms N2383fs.
Identifiers: ClinVar variation 5012592 (VCV005012592.1).